The following is an entry in ClinVar:

ClinVar aggregate classification (germline): Likely pathogenic. Review status: criteria provided, multiple submitters, no conflicts (2 of 4 stars). 2 submissions from 2 submitters: Likely pathogenic (2). Last evaluated 2023-10-05.

Conditions:
Combined malonic and methylmalonic acidemia. Identifiers: Orphanet 289504, MedGen C3280314, MONDO:0013661, OMIM 614265.

Submissions (2):

Baylor Genetics
Classification: Likely pathogenic for Combined malonic and methylmalonic acidemia. Last evaluated: 2023-10-05. Review status: criteria provided, single submitter. Criteria: ACMG Guidelines, 2015. Collection method: clinical testing. Allele origin: unknown.

Women's Health and Genetics/Laboratory Corporation of America, LabCorp
Classification: Likely pathogenic for Combined malonic and methylmalonic acidemia. Last evaluated: 2022-10-28. Review status: criteria provided, single submitter. Criteria: LabCorp Variant Classification Summary - May 2015. Collection method: clinical testing. Allele origin: germline.
Comment: Variant summary: ACSF3 c.1303G>T (p.Glu435X) results in a premature termination codon, predicted to cause a truncation of the encoded protein or absence of the protein due to nonsense mediated decay, which are commonly known mechanisms for disease. The variant was absent in 251432 control chromosomes. To our knowledge, no occurrence of c.1303G>T in individuals affected with Combined Malonic And Methylmalonic Aciduria and no experimental evidence demonstrating its impact on protein function have been reported. No clinical diagnostic laboratories have submitted clinical-significance assessments for this variant to ClinVar after 2014. Based on the evidence outlined above, the variant was classified as likely pathogenic.

NM_001243279.3(ACSF3):c.1303G>T (p.Glu435Ter)

Gene: ACSF3 (acyl-CoA synthetase family member 3; plus strand). Cytogenetic location: 16q24.3.
Variant type: single nucleotide variant.
Coding change: c.1303G>T on transcript NM_001243279.3 (MANE Select); coding-DNA position 1303, G replaced by T.
Protein change: p.Glu435Ter; replaces glutamic acid 435 with a stop codon.
Molecular consequence: nonsense. On other transcripts: non-coding transcript variant (3).
Genome position (GRCh38, 1-based): chr16:89,133,199, G>T. VCF-style: chr16-89133199-G-T. GRCh37 (hg19) VCF-style: chr16-89199607-G-T.
Other names: c.1303G>T, p.Glu435Ter (NM_001127214.4, NM_174917.5); c.508G>T, p.Glu170Ter (NM_001284316.2); short protein forms E170*, E435*.
Identifiers: ClinVar variation 1723423 (VCV001723423.2), dbSNP rs2543770114, ClinGen allele CA397145444.